The following is an entry in ClinVar:

ClinVar aggregate classification (germline): Uncertain significance (1 of 4 stars; one submission).

Allele frequency attached by ClinVar (database versions not stated): gnomAD exomes below 0.00001; ExAC 0.00002.
gnomAD v4.1: 5 of 1,599,460 alleles (0.00031%); highest among the groups gnomAD compares: Admixed American, 0.0017%; no homozygotes.

Submission:

Labcorp Genetics (formerly Invitae), Labcorp
Classification: Uncertain significance. Last evaluated: 2024-02-24. Review status: criteria provided, single submitter. Criteria: Invitae Variant Classification Sherloc (09022015). Collection method: clinical testing. Allele origin: germline.
Comment: This sequence change replaces arginine, which is basic and polar, with tryptophan, which is neutral and slightly polar, at codon 1430 of the RIMS1 protein (p.Arg1430Trp). The frequency data for this variant in the population databases is considered unreliable, as metrics indicate poor data quality at this position in the gnomAD database. This missense change has been observed in individual(s) with clinical features of inherited retinal dystrophy (Invitae). ClinVar contains an entry for this variant (Variation ID: 1390751). An algorithm developed to predict the effect of missense changes on protein structure and function (PolyPhen-2) suggests that this variant is likely to be disruptive. In summary, the available evidence is currently insufficient to determine the role of this variant in disease. Therefore, it has been classified as a Variant of Uncertain Significance.

NM_014989.7(RIMS1):c.4288C>T (p.Arg1430Trp)

Gene: RIMS1 (regulating synaptic membrane exocytosis 1; plus strand). Cytogenetic location: 6q13.
Variant type: single nucleotide variant.
Coding change: c.4288C>T on transcript NM_014989.7 (MANE Select); coding-DNA position 4288, C replaced by T.
Protein change: p.Arg1430Trp; replaces arginine 1430 with tryptophan.
Molecular consequence: missense variant. On other transcripts: intron variant (24).
Genome position (GRCh38, 1-based): chr6:72,333,757, C>T. VCF-style: chr6-72333757-C-T. GRCh37 (hg19) VCF-style: chr6-73043460-C-T.
Other names: c.2248C>T, p.Arg750Trp (NM_001168407.2); c.2209C>T, p.Arg737Trp (NM_001350414.2); c.2305C>T, p.Arg769Trp (NM_001350415.2); c.2254C>T, p.Arg752Trp (NM_001350416.2); c.2227C>T, p.Arg743Trp (NM_001350418.2); c.2362C>T, p.Arg788Trp (NM_001350420.2); c.2107C>T, p.Arg703Trp (NM_001350421.2); c.1996C>T, p.Arg666Trp (NM_001350423.2); and 53 more; short protein forms R646W, R660W, R675W, R676W, R710W, R720W, R726W, R737W.
Identifiers: ClinVar variation 1390751 (VCV001390751.6), dbSNP rs754285811, ClinGen allele CA3886478.